The following is an entry in ClinVar:

NM_003737.4(DCHS1):c.781dup (p.His261fs)

Gene: DCHS1 (dachsous cadherin-related 1; minus strand). Cytogenetic location: 11p15.4.
Variant type: Duplication.
Coding change: c.781dup on transcript NM_003737.4 (MANE Select); coding-DNA position 781, one base duplicated (C; older notation c.781dupC).
Protein change: p.His261fs; shifts the reading frame from histidine 261.
Molecular consequence: frameshift variant.
Genome position (GRCh38, 1-based): chr11:6,640,833, G duplicated on the plus strand (C on the coding strand, the reverse complement: DCHS1 is on the minus strand); the first of 2 consecutive G bases (chr11:6,640,833-6,640,834); duplicating either gives the same sequence. VCF-style (leftmost placement, unchanged base first): chr11-6640832-T-TG. GRCh37 (hg19) VCF-style: chr11-6662063-T-TG.
Other names: short protein forms H261fs.
Identifiers: ClinVar variation 3685925 (VCV003685925.2).

ClinVar aggregate classification (germline): Pathogenic (1 of 4 stars; one submission).

Submission:

Labcorp Genetics (formerly Invitae), Labcorp
Classification: Pathogenic. Last evaluated: 2024-06-30. Review status: criteria provided, single submitter. Criteria: Invitae Variant Classification Sherloc (09022015). Collection method: clinical testing. Allele origin: germline.
Comment: This sequence change creates a premature translational stop signal (p.His261Profs*6) in the DCHS1 gene. It is expected to result in an absent or disrupted protein product. Loss-of-function variants in DCHS1 are known to be pathogenic (PMID: 24056717, 26258302). This variant is not present in population databases (gnomAD no frequency). This variant has not been reported in the literature in individuals affected with DCHS1-related conditions. For these reasons, this variant has been classified as Pathogenic.

Literature cited by the submitters: PubMed 24056717; PubMed 26258302.